The following is an entry in ClinVar:

NM_000138.5(FBN1):c.1844A>G (p.Asn615Ser)

Gene: FBN1 (fibrillin 1; minus strand). Cytogenetic location: 15q21.1.
Variant type: single nucleotide variant.
Coding change: c.1844A>G on transcript NM_000138.5 (MANE Select); coding-DNA position 1844, A replaced by G.
Protein change: p.Asn615Ser; replaces asparagine 615 with serine.
Molecular consequence: missense variant.
Genome position (GRCh38, 1-based): chr15:48,505,141, T>C on the plus strand (A>G on the coding strand, the complement: FBN1 is on the minus strand). VCF-style: chr15-48505141-T-C. GRCh37 (hg19) VCF-style: chr15-48797338-T-C.
Other names: p.N615S:AAC>AGC; short protein forms N615S.
Identifiers: ClinVar variation 42293 (VCV000042293.18), dbSNP rs397515763, ClinGen allele CA012583.
Genomic context (GRCh38, chr15:48,505,141, plus strand): 5'-TAGGAGCCATCAGTGTTGACGCAACGCCCATTCATGCAGATCCCAGGGGTTTCACACTCG[T>C]TAATGTCTGTGGCAGAGAAAGGCACTTATTAAAAATGAAGTGACATTTATCTAAAATTAT-3'
Protein context (NP_000129.3, residues 605-625): ASDGRYCKDI[Asn615Ser]ECETPGICMN

ClinVar aggregate classification (germline): Conflicting classifications of pathogenicity. Review status: criteria provided, conflicting classifications (1 of 4 stars). 10 submissions from 10 submitters: Uncertain significance (9); Likely benign (1). Last evaluated 2025-05-07.

Conditions:
Marfan syndrome (MFS). Also called: FBN1-Related Marfan Syndrome; Marfan syndrome, classic; MARFAN SYNDROME, TYPE I; Marfan syndrome type 1; Marfan's syndrome. Identifiers: Orphanet 284963, Orphanet 558, MedGen C0024796, MONDO:0007947, OMIM 154700.
Progeroid and marfanoid aspect-lipodystrophy syndrome. Also called: MARFANOID-PROGEROID-LIPODYSTROPHY SYNDROME; Marfan lipodystrophy syndrome; MARFANOID-PROGEROID SYNDROME; MARFAN-PROGEROID-LIPODYSTROPHY SYNDROME. Identifiers: Orphanet 300382, MedGen C4310796, MONDO:0014831, OMIM 616914.
MASS syndrome (OCTD). Also called: MASS PHENOTYPE; OVERLAP CONNECTIVE TISSUE DISEASE. Identifiers: MedGen C1858556, MONDO:0011431, OMIM 604308.
Geleophysic dysplasia 2 (GPHYSD2). Identifiers: Orphanet 2623, MedGen C3280054, MONDO:0013612, OMIM 614185.
Stiff skin syndrome (SSKS). Identifiers: Orphanet 2833, MedGen C1861456, MONDO:0008492, OMIM 184900.
Ectopia lentis 1, isolated, autosomal dominant (ECTOL1). Identifiers: Orphanet 1885, MedGen C3541518, MONDO:0007514, OMIM 129600.
Weill-Marchesani syndrome 2, dominant. Also called: Weill-Marchesani Syndrome, Autosomal Dominant; FBN1-Related Weill-Marchesani Syndrome. Identifiers: Orphanet 2084, MedGen C1869115, MONDO:0012013, OMIM 608328.
Acromicric dysplasia (ACMICD). Also called: Acromicric skeletal dysplasia. Identifiers: Orphanet 969, MedGen C0265287, MONDO:0007055, OMIM 102370.
Familial thoracic aortic aneurysm and aortic dissection (TAAD). Also called: Thoracic aortic aneurysms and dissections. Identifiers: Orphanet 91387, MedGen C4707243, MONDO:0019625.

Allele frequency attached by ClinVar (database versions not stated): ExAC 0.00002; TOPMed 0.00001; gnomAD exomes 0.00001 and below 0.00001; gnomAD 0.00001.
gnomAD v4.1: 3 of 1,614,052 alleles (0.00019%); highest among the groups gnomAD compares: East Asian, 0.0022%; no homozygotes.

Submissions (10):

Labcorp Genetics (formerly Invitae), Labcorp
Classification: Uncertain significance for Marfan syndrome; Familial thoracic aortic aneurysm and aortic dissection. Last evaluated: 2025-05-07. Review status: criteria provided, single submitter. Criteria: Invitae Variant Classification Sherloc (09022015). Collection method: clinical testing. Allele origin: germline.
Comment: This sequence change replaces asparagine, which is neutral and polar, with serine, which is neutral and polar, at codon 615 of the FBN1 protein (p.Asn615Ser). This variant is present in population databases (rs397515763, gnomAD 0.02%). This variant has not been reported in the literature in individuals affected with FBN1-related conditions. ClinVar contains an entry for this variant (Variation ID: 42293). Invitae Evidence Modeling of protein sequence and biophysical properties (such as structural, functional, and spatial information, amino acid conservation, physicochemical variation, residue mobility, and thermodynamic stability) indicates that this missense variant is expected to disrupt FBN1 protein function with a positive predictive value of 95%. In summary, the available evidence is currently insufficient to determine the role of this variant in disease. Therefore, it has been classified as a Variant of Uncertain Significance.

All of Us Research Program, National Institutes of Health
Classification: Uncertain significance for Marfan syndrome. Last evaluated: 2023-12-18. Review status: criteria provided, single submitter. Criteria: ACMG Guidelines, 2015. Collection method: clinical testing. Allele origin: germline. Inheritance: Autosomal dominant inheritance. Observed: 2 variant alleles, 2 heterozygotes.
Comment: Variant of Uncertain Significance due to insufficient evidence: This missense variant is located in the calcium-binding EGF-like motif 10 of the FBN1 protein. Computational prediction tools and conservation analyses are inconclusive regarding the impact of this variant on the protein function. Computational splicing tools suggest that this variant may not impact RNA splicing. To our knowledge, functional assays have not been performed for this variant nor has this variant been reported in individuals affected with cardiovascular disorders in the literature. This variant has been identified in 4/277178 chromosomes in the general population by the Genome Aggregation Database (gnomAD). Available evidence is insufficient to determine the pathogenicity of this variant conclusively.

This study involves interpretation of variants in research participants for the purpose of population health screening. Participant phenotype was not available at the time of variant classification. Additional details can be found in publication PMID: 35346344, PMCID: PMC8962531

Color Diagnostics, LLC DBA Color Health
Classification: Uncertain significance for Familial thoracic aortic aneurysm and aortic dissection. Last evaluated: 2023-11-27. Review status: criteria provided, single submitter. Criteria: ACMG Guidelines, 2015. Collection method: clinical testing. Allele origin: germline.
Comment: This missense variant replaces asparagine with serine at codon 615 of the FBN1 protein. Computational prediction tools indicate that this variant may have an uncertain impact on protein structure and function. To our knowledge, functional studies have not been reported for this variant. This variant has not been reported in individuals affected with FBN1-related disorders in the literature. This variant has been identified in 4/282838 chromosomes in the general population by the Genome Aggregation Database (gnomAD). The available evidence is insufficient to determine the role of this variant in disease conclusively. Therefore, this variant is classified as a Variant of Uncertain Significance.

Johns Hopkins Genomics, Johns Hopkins University
Classification: Uncertain significance for Marfan syndrome. Last evaluated: 2023-01-13. Review status: criteria provided, single submitter. Criteria: ACMG Guidelines, 2015. Collection method: clinical testing. Allele origin: germline.
Comment: This FBN1 missense variant (rs397515763) is rare (<0.1%) in a large population dataset (gnomAD v2.1.1: 4/282838 total alleles; 0.0014%; no homozygotes). It has been reported in ClinVar (Variation ID 42293), but to our knowledge, has not been reported in individuals with FBN1-related disorders in the literature. Of two bioinformatics tools queried, one predicts that the substitution would be damaging, while the other predicts that it would be tolerated. The asparagine residue at this position is evolutionarily conserved across many of the species assessed. We consider the clinical significance of c.1844A>G; p.Asn615Ser in FBN1 to be uncertain at this time.

Blueprint Genetics
Classification: Likely benign. Last evaluated: 2022-12-09. Review status: criteria provided, single submitter. Criteria: ACMG Guidelines, 2015. Collection method: clinical testing. Allele origin: germline.

Fulgent Genetics
Classification: Uncertain significance for Acromicric dysplasia; Ectopia lentis 1, isolated, autosomal dominant; Marfan syndrome; Stiff skin syndrome; MASS syndrome; Weill-Marchesani syndrome 2, dominant; Geleophysic dysplasia 2; Progeroid and marfanoid aspect-lipodystrophy syndrome. Last evaluated: 2021-10-07. Review status: criteria provided, single submitter. Criteria: ACMG Guidelines, 2015. Collection method: clinical testing. Allele origin: unknown.

Ambry Genetics
Classification: Uncertain significance for Familial thoracic aortic aneurysm and aortic dissection. Last evaluated: 2020-06-05. Review status: criteria provided, single submitter. Criteria: Ambry Variant Classification Scheme 2023. Collection method: clinical testing. Allele origin: germline.
Comment: The p.N615S variant (also known as c.1844A>G), located in coding exon 15 of the FBN1 gene, results from an A to G substitution at nucleotide position 1844. The asparagine at codon 615 is replaced by serine, an amino acid with highly similar properties. This amino acid position is not well conserved in available vertebrate species. In addition, the in silico prediction for this alteration is inconclusive. Since supporting evidence is limited at this time, the clinical significance of this alteration remains unclear.

Center for Human Genetics, Inc
Classification: Uncertain significance for Marfan syndrome. Last evaluated: 2016-11-01. Review status: criteria provided, single submitter. Criteria: ACMG Guidelines, 2015. Collection method: clinical testing. Allele origin: germline. Affected: yes.

GeneDx
Classification: Uncertain significance. Last evaluated: 2014-01-18. Review status: criteria provided, single submitter. Criteria: GeneDx Variant Classification (06012015). Collection method: clinical testing. Allele origin: germline. Affected: yes.
Comment: p.Asn615Ser (AAC>AGC): c.1844 A>G in exon 16 of the FBN1 gene (NM_000138.4)The A615S variant in the FBN1 gene has not been reported as a disease-causing mutation or as a benign polymorphism to our knowledge. The A615S variant is a conservative amino acid substitution as these residues share similar properties, and are least likely to impact secondary structure. In silico analysis predicts N615S may be benign to the protein structure/function. However, the Asn615 residue is conserved in mammals. Furthermore, mutations in nearby residues (C611R, D613N, E616K, E616G, C617G) have been reported in association with Marfan syndrome, supporting the functional importance of this region of the protein. The N615 variant was not observed in approximately 6,500 individuals of European and African American ancestry in the NHLBI Exome Sequencing Project, indicating it is not a common benign variant in these populations.With the clinical and molecular information available at this time, we cannot definitively determine if N615S is a disease-causing mutation or a rare benign variant. The variant is found in TAAD panel(s).

Laboratory for Molecular Medicine, Mass General Brigham Personalized Medicine
Classification: Uncertain significance. Last evaluated: 2011-10-21. Review status: criteria provided, single submitter. Criteria: LMM Criteria. Collection method: clinical testing. Allele origin: germline. Observed: 1 variant allele.
Comment: The Asn615Ser variant has not been previously reported in the literature or been identified by our laboratory. The amino acid asparagine (Asp) at position 615 i s conserved across mammals but not into lower species. In the absence of additi onal information, such as control studies, segregation data, or functional analy ses, the clinical significance of this variant cannot be determined with certain ty at this time. The clinical significance of this variant should be interprete d in the context of this individual's clinical manifestation.

Literature cited by the submitters: PubMed 29875124 (cited by Johns Hopkins Genomics, Johns Hopkins University); PubMed 31227806 (cited by Johns Hopkins Genomics, Johns Hopkins University).